The following is an entry in ClinVar:

NM_080680.3(COL11A2):c.3229C>T (p.Pro1077Ser)

Gene: COL11A2 (collagen type XI alpha 2 chain; minus strand). Cytogenetic location: 6p21.32.
Variant type: single nucleotide variant.
Coding change: c.3229C>T on transcript NM_080680.3 (MANE Select); coding-DNA position 3229, C replaced by T.
Protein change: p.Pro1077Ser; replaces proline 1077 with serine.
Molecular consequence: missense variant.
Genome position (GRCh38, 1-based): chr6:33,171,496, G>A on the plus strand (C>T on the coding strand, the complement: COL11A2 is on the minus strand). VCF-style: chr6-33171496-G-A. GRCh37 (hg19) VCF-style: chr6-33139273-G-A.
Other names: c.3049C>T, p.Pro1017Ser (NM_001424108.1); c.2383C>T, p.Pro795Ser (NM_001424109.1); c.2203C>T, p.Pro735Ser (NM_001424110.1, NM_001424111.1); c.1183C>T, p.Pro395Ser (NM_001424112.1); c.2908C>T, p.Pro970Ser (NM_080679.3); c.2971C>T, p.Pro991Ser (NM_080681.3); short protein forms P1017S, P1077S, P395S, P735S, P795S, P970S, P991S.
Identifiers: ClinVar variation 3349232 (VCV003349232.2).

ClinVar aggregate classification (germline): Likely benign. Review status: criteria provided, single submitter (1 of 4 stars). 2 submissions from 2 submitters: Likely benign (1). 1 of the submissions does not count toward it. Last evaluated 2025-09-06.

Conditions:
COL11A2-related disorder. Also called: COL11A2-related condition; COL11A2-related disorders.

gnomAD v4.1: 2 of 1,613,720 alleles (0.00012%); highest among the groups gnomAD compares: African/African-American, 0.0013%; no homozygotes.

Submissions (2):

Labcorp Genetics (formerly Invitae), Labcorp
Classification: Likely benign. Last evaluated: 2025-09-06. Review status: criteria provided, single submitter. Criteria: Invitae Variant Classification Sherloc (09022015). Collection method: clinical testing. Allele origin: germline.

PreventionGenetics, part of Exact Sciences
Classification: Uncertain significance for COL11A2-related condition. Last evaluated: 2024-06-19. Review status: no assertion criteria provided. Collection method: clinical testing. Allele origin: germline. Not counted in ClinVar's aggregate classification.
Comment: The COL11A2 c.3229C>T variant is predicted to result in the amino acid substitution p.Pro1077Ser. To our knowledge, this variant has not been reported in the literature. This variant is reported in 0.012% of alleles in individuals of African descent in gnomAD. At this time, the clinical significance of this variant is uncertain due to the absence of conclusive functional and genetic evidence.